The following is an entry in ClinVar:

ClinVar aggregate classification (germline): Pathogenic. Review status: criteria provided, multiple submitters, no conflicts (2 of 4 stars). 2 submissions from 2 submitters: Pathogenic (2). Last evaluated 2025-05-08.

Conditions:
Cernunnos-XLF deficiency (IMD124). Also called: SCID, AUTOSOMAL RECESSIVE, T CELL-NEGATIVE, B CELL-NEGATIVE, NK CELL-POSITIVE, WITH MICROCEPHALY, GROWTH RETARDATION, AND SENSITIVITY TO IONIZING RADIATION; Severe combined immunodeficiency with sensitivity to ionizing radiation due to NHEJ1 deficiency; SCID, autosomal recessive, T cell-negative, B cell-negative, NK cell-positive, and sensitivity to ionizing radiation due to NHEJ1 deficiency; IMMUNODEFICIENCY 124, SEVERE COMBINED; NHEJ1 SYNDROME. Identifiers: Orphanet 169079, MedGen C1969799, MONDO:0012650, OMIM 611291.

Allele frequency attached by ClinVar (database versions not stated): TOPMed below 0.00001.
gnomAD v4.1: 5 of 1,614,060 alleles (0.00031%); highest among the groups gnomAD compares: Non-Finnish European, 0.00042%; no homozygotes.

Submissions (2):

Next Generation Genetic Polyclinic
Classification: Pathogenic for Cernunnos-XLF deficiency. Last evaluated: 2025-05-08. Review status: criteria provided, single submitter. Criteria: ACMG Guidelines, 2015. Collection method: curation. Allele origin: germline. Affected: yes. Observed: 1 variant allele.
Comment: The NM_024782.3:c.526C>T variant in the NHEJ1 gene results in a nonsense mutation (p.Arg176Ter), which introduces a premature stop codon and leads to production of a truncated protein or complete loss of expression. Since NHEJ1 plays a critical role in the non-homologous end joining pathway—essential for repairing DNA double-strand breaks—loss of its function impairs genomic integrity, especially in rapidly dividing cells like lymphocytes. Homozygous individuals lacking functional NHEJ1 protein are unable to effectively repair DNA damage, causing severe combined immunodeficiency and other developmental issues. The pathogenicity is strongly supported by the variant’s effect on protein structure, the biological function of the gene, and its clinical correlation with autosomal recessive syndromes like Cernunnos-XLF deficiency.

Labcorp Genetics (formerly Invitae), Labcorp
Classification: Pathogenic for Cernunnos-XLF deficiency. Last evaluated: 2023-02-09. Review status: criteria provided, single submitter. Criteria: Invitae Variant Classification Sherloc (09022015). Collection method: clinical testing. Allele origin: germline.
Comment: This sequence change creates a premature translational stop signal (p.Arg176*) in the NHEJ1 gene. It is expected to result in an absent or disrupted protein product. Loss-of-function variants in NHEJ1 are known to be pathogenic (PMID: 16439204, 20597108). This variant is present in population databases (no rsID available, gnomAD 0.0009%). This premature translational stop signal has been observed in individual(s) with clinical features of NHEJ1-related severe combined immunodeficiency (PMID: 20597108, 31589898). For these reasons, this variant has been classified as Pathogenic.

Literature cited by the submitters: PubMed 20597108 (cited by Next Generation Genetic Polyclinic and Labcorp Genetics (formerly Invitae), Labcorp); PubMed 27281794 (cited by Next Generation Genetic Polyclinic); PubMed 16439204 (cited by Next Generation Genetic Polyclinic and Labcorp Genetics (formerly Invitae), Labcorp); PubMed 31589898 (cited by Next Generation Genetic Polyclinic and Labcorp Genetics (formerly Invitae), Labcorp).

NM_024782.3(NHEJ1):c.526C>T (p.Arg176Ter)

Gene: NHEJ1 (non-homologous end joining factor 1; minus strand). Cytogenetic location: 2q35.
Variant type: single nucleotide variant.
Coding change: c.526C>T on transcript NM_024782.3 (MANE Select); coding-DNA position 526, C replaced by T.
Protein change: p.Arg176Ter; replaces arginine 176 with a stop codon.
Molecular consequence: nonsense. On other transcripts: non-coding transcript variant (1).
Genome position (GRCh38, 1-based): chr2:219,147,660, G>A on the plus strand (C>T on the coding strand, the complement: NHEJ1 is on the minus strand). VCF-style: chr2-219147660-G-A. GRCh37 (hg19) VCF-style: chr2-220012382-G-A.
Other names: c.526C>T, p.Arg176Ter (NM_001377498.1, NM_001377499.1); short protein forms R176*.
Identifiers: ClinVar variation 2734397 (VCV002734397.5), dbSNP rs1304446470, ClinGen allele CA350628100.